The following is an entry in ClinVar:

ClinVar aggregate classification (germline): Pathogenic (1 of 4 stars; one submission).

Conditions:
Primary ciliary dyskinesia. Also called: Ciliary dyskinesia. Identifiers: Orphanet 244, MedGen C0008780, MONDO:0016575, HP:0012265.

Submission:

Labcorp Genetics (formerly Invitae), Labcorp
Classification: Pathogenic for Primary ciliary dyskinesia. Last evaluated: 2021-04-24. Review status: criteria provided, single submitter. Criteria: Invitae Variant Classification Sherloc (09022015). Collection method: clinical testing. Allele origin: germline.
Comment: This sequence change affects an acceptor splice site in intron 32 of the DNAH11 gene. It is expected to disrupt RNA splicing. Variants that disrupt the donor or acceptor splice site typically lead to a loss of protein function (PMID: 16199547), and loss-of-function variants in DNAH11 are known to be pathogenic (PMID: 18022865, 20513915, 22184204). This variant is not present in population databases (ExAC no frequency). This variant has been observed in individual(s) with clinical features of primary ciliary dyskinesia (Invitae). Algorithms developed to predict the effect of sequence changes on RNA splicing suggest that this variant may disrupt the consensus splice site, but this prediction has not been confirmed by published transcriptional studies. For these reasons, this variant has been classified as Pathogenic.

Literature cited by the submitters: PubMed 16199547; PubMed 18022865; PubMed 20513915; PubMed 22184204.

NM_001277115.2(DNAH11):c.5622-1G>T

Gene: DNAH11 (dynein axonemal heavy chain 11; plus strand). Cytogenetic location: 7p15.3.
Variant type: single nucleotide variant.
Coding change: c.5622-1G>T on transcript NM_001277115.2 (MANE Select); the canonical splice acceptor site of the intron before coding-DNA position 5622, G replaced by T.
Molecular consequence: splice acceptor variant.
Genome position (GRCh38, 1-based): chr7:21,687,098, G>T. VCF-style: chr7-21687098-G-T. GRCh37 (hg19) VCF-style: chr7-21726716-G-T.
Identifiers: ClinVar variation 1432278 (VCV001432278.8), dbSNP rs2128473916, ClinGen allele CA366948923.